The following is an entry in ClinVar:

NM_001843.4(CNTN1):c.1006C>T (p.His336Tyr)

Gene: CNTN1 (contactin 1; plus strand). Cytogenetic location: 12q12.
Variant type: single nucleotide variant.
Coding change: c.1006C>T on transcript NM_001843.4 (MANE Select); coding-DNA position 1006, C replaced by T.
Protein change: p.His336Tyr; replaces histidine 336 with tyrosine.
Molecular consequence: missense variant.
Genome position (GRCh38, 1-based): chr12:40,936,801, C>T. VCF-style: chr12-40936801-C-T. GRCh37 (hg19) VCF-style: chr12-41330603-C-T.
Other names: c.1006C>T (NM_001843.2); c.1006C>T, p.His336Tyr (NM_001256063.2, NM_001256064.2); c.973C>T, p.His325Tyr (NM_175038.2); short protein forms H336Y, H325Y.
Identifiers: ClinVar variation 537194 (VCV000537194.11), dbSNP rs200591895, ClinGen allele CA6516766.

ClinVar aggregate classification (germline): Uncertain significance. Review status: criteria provided, multiple submitters, no conflicts (2 of 4 stars). 2 submissions from 2 submitters: Uncertain significance (2). Last evaluated 2024-09-03.

Conditions:
Inborn genetic diseases. Identifiers: MedGen C0950123, MeSH D030342.
Compton-North congenital myopathy (CMYO12). Identifiers: Orphanet 210163, MedGen C2675527, MONDO:0012929, OMIM 612540.

Allele frequency attached by ClinVar (database versions not stated): ESP Exome Variant Server 0.00008; TOPMed 0.00008; gnomAD exomes 0.00010 and 0.00016; gnomAD 0.00011 and 0.00012; ExAC 0.00012.

Submissions (2):

Ambry Genetics
Classification: Uncertain significance for Inborn genetic diseases. Last evaluated: 2024-09-03. Review status: criteria provided, single submitter. Criteria: Ambry Variant Classification Scheme 2023. Collection method: clinical testing. Allele origin: germline.

Labcorp Genetics (formerly Invitae), Labcorp
Classification: Uncertain significance for Compton-North congenital myopathy. Last evaluated: 2022-06-20. Review status: criteria provided, single submitter. Criteria: Invitae Variant Classification Sherloc (09022015). Collection method: clinical testing. Allele origin: germline.
Comment: This sequence change replaces histidine, which is basic and polar, with tyrosine, which is neutral and polar, at codon 336 of the CNTN1 protein (p.His336Tyr). This variant is present in population databases (rs200591895, gnomAD 0.02%). This variant has not been reported in the literature in individuals affected with CNTN1-related conditions. ClinVar contains an entry for this variant (Variation ID: 537194). Advanced modeling of protein sequence and biophysical properties (such as structural, functional, and spatial information, amino acid conservation, physicochemical variation, residue mobility, and thermodynamic stability) performed at Invitae indicates that this missense variant is not expected to disrupt CNTN1 protein function. In summary, the available evidence is currently insufficient to determine the role of this variant in disease. Therefore, it has been classified as a Variant of Uncertain Significance.